The following is an entry in ClinVar:

NM_001267550.2(TTN):c.100936G>A (p.Val33646Ile)

Genes: TTN-AS1 (TTN antisense RNA 1; plus strand), TTN (titin; minus strand). Cytogenetic location: 2q31.2.
Variant type: single nucleotide variant.
Coding change: c.100936G>A on transcript NM_001267550.2 (MANE Select); coding-DNA position 100936, G replaced by A.
Protein change: p.Val33646Ile; replaces valine 33646 with isoleucine.
Molecular consequence: missense variant.
Genome position (GRCh38, 1-based): chr2:178,535,679, C>T on the plus strand (G>A on the coding strand, the complement: TTN is on the minus strand). VCF-style: chr2-178535679-C-T. GRCh37 (hg19) VCF-style: chr2-179400406-C-T.
Other names: c.96013G>A, p.Val32005Ile (NM_001256850.1); c.73741G>A, p.Val24581Ile (NM_003319.4); c.93232G>A, p.Val31078Ile (NM_133378.4); c.74116G>A, p.Val24706Ile (NM_133432.3); c.74317G>A, p.Val24773Ile (NM_133437.4); short protein forms V24581I, V24706I, V24773I, V31078I, V32005I, V33646I.
Identifiers: ClinVar variation 3758282 (VCV003758282.3).

ClinVar aggregate classification (germline): Uncertain significance. Review status: criteria provided, multiple submitters, no conflicts (2 of 4 stars). 2 submissions from 2 submitters: Uncertain significance (2). Last evaluated 2026-01-27.

Conditions:
Dilated cardiomyopathy 1G (CMD1G). Identifiers: Orphanet 154, MedGen C1858763, MONDO:0011400, OMIM 604145.
Autosomal recessive limb-girdle muscular dystrophy type 2J (LGMDR10). Also called: Limb-girdle muscular dystrophy, type 2J; MUSCULAR DYSTROPHY, LIMB-GIRDLE, AUTOSOMAL RECESSIVE 10. Identifiers: Orphanet 140922, MedGen C1837342, MONDO:0012127, OMIM 608807.

gnomAD v4.1: 23 of 1,613,702 alleles (0.0014%); highest among the groups gnomAD compares: South Asian, 0.022%; no homozygotes.

Submissions (2):

Labcorp Genetics (formerly Invitae), Labcorp
Classification: Uncertain significance for Dilated cardiomyopathy 1G; Autosomal recessive limb-girdle muscular dystrophy type 2J. Last evaluated: 2026-01-27. Review status: criteria provided, single submitter. Criteria: Invitae Variant Classification Sherloc (09022015). Collection method: clinical testing. Allele origin: germline.
Comment: This sequence change replaces valine, which is neutral and non-polar, with isoleucine, which is neutral and non-polar, at codon 33646 of the TTN protein (p.Val33646Ile). This variant is present in population databases (rs773257113, gnomAD 0.02%). This variant has not been reported in the literature in individuals affected with TTN-related conditions. ClinVar contains an entry for this variant (Variation ID: 3758282). Experimental studies and prediction algorithms are not available or were not evaluated, and the functional significance of this variant is currently unknown. This variant is located in the M band of TTN (PMID: 25589632). Non-truncating variants in this region may be relevant for neuromuscular disorders, but have not been definitively shown to cause cardiomyopathy (PMID: 23975875). In summary, the available evidence is currently insufficient to determine the role of this variant in disease. Therefore, it has been classified as a Variant of Uncertain Significance.

Revvity Omics, Revvity
Classification: Uncertain significance. Last evaluated: 2024-09-19. Review status: criteria provided, single submitter. Criteria: ACMG Guidelines, 2015. Collection method: clinical testing. Allele origin: germline.

Literature cited by the submitters: PubMed 25589632 (cited by Labcorp Genetics (formerly Invitae), Labcorp); PubMed 23975875 (cited by Labcorp Genetics (formerly Invitae), Labcorp).